The following is an entry in ClinVar:

ClinVar aggregate classification (germline): Uncertain significance. Review status: criteria provided, multiple submitters, no conflicts (2 of 4 stars). 5 submissions from 5 submitters: Uncertain significance (4). 1 of the submissions does not count toward it. Last evaluated 2025-07-09.

Conditions:
Glycogen storage disease, type V (GSD5). Also called: McArdle type glycogen storage disease; PYGM DEFICIENCY; MYOPHOSPHORYLASE DEFICIENCY; MCARDLE DISEASE; MUSCLE GLYCOGEN PHOSPHORYLASE DEFICIENCY. Identifiers: Orphanet 368, MedGen C0017924, MONDO:0009293, OMIM 232600.

Allele frequency attached by ClinVar (database versions not stated): gnomAD 0.00008 and 0.00009; gnomAD exomes 0.00009; ExAC 0.00010.
gnomAD v4.1: 88 of 1,614,096 alleles (0.0055%); highest among the groups gnomAD compares: East Asian, 0.011%; no homozygotes.

Submissions (5):

Revvity Omics, Revvity
Classification: Uncertain significance for Glycogen storage disease, type V. Last evaluated: 2025-07-09. Review status: criteria provided, single submitter. Criteria: ACMG Guidelines, 2015. Collection method: clinical testing. Allele origin: germline.

Fulgent Genetics
Classification: Uncertain significance for Glycogen storage disease, type V. Last evaluated: 2024-02-27. Review status: criteria provided, single submitter. Criteria: ACMG Guidelines, 2015. Collection method: clinical testing. Allele origin: germline.

Labcorp Genetics (formerly Invitae), Labcorp
Classification: Uncertain significance for Glycogen storage disease, type V. Last evaluated: 2022-05-27. Review status: criteria provided, single submitter. Criteria: Invitae Variant Classification Sherloc (09022015). Collection method: clinical testing. Allele origin: germline.
Comment: This sequence change replaces arginine, which is basic and polar, with tryptophan, which is neutral and slightly polar, at codon 34 of the PYGM protein (p.Arg34Trp). This variant is present in population databases (rs531748591, gnomAD 0.02%). This variant has not been reported in the literature in individuals affected with PYGM-related conditions. ClinVar contains an entry for this variant (Variation ID: 1254381). Algorithms developed to predict the effect of missense changes on protein structure and function are either unavailable or do not agree on the potential impact of this missense change (SIFT: "Not Available"; PolyPhen-2: "Probably Damaging"; Align-GVGD: "Not Available"). In summary, the available evidence is currently insufficient to determine the role of this variant in disease. Therefore, it has been classified as a Variant of Uncertain Significance.

GeneDx
Classification: Uncertain significance. Last evaluated: 2021-07-02. Review status: criteria provided, single submitter. Criteria: GeneDx Variant Classification Process June 2021. Collection method: clinical testing. Allele origin: germline. Affected: yes.
Comment: Not observed at significant frequency in large population cohorts (Lek et al., 2016); In silico analysis supports that this missense variant has a deleterious effect on protein structure/function; Has not been previously published as pathogenic or benign to our knowledge; This variant is associated with the following publications: (PMID: 24077912, 25914343, 27535533)

Natera, Inc.
Classification: Uncertain significance for Glycogen storage disease V. Last evaluated: 2020-05-09. Review status: no assertion criteria provided. Collection method: clinical testing. Allele origin: germline. Not counted in ClinVar's aggregate classification.

NM_005609.4(PYGM):c.100C>T (p.Arg34Trp)

Gene: PYGM (glycogen phosphorylase, muscle associated; minus strand). Cytogenetic location: 11q13.1.
Variant type: single nucleotide variant.
Coding change: c.100C>T on transcript NM_005609.4 (MANE Select); coding-DNA position 100, C replaced by T.
Protein change: p.Arg34Trp; replaces arginine 34 with tryptophan.
Molecular consequence: missense variant.
Genome position (GRCh38, 1-based): chr11:64,759,799, G>A on the plus strand (C>T on the coding strand, the complement: PYGM is on the minus strand). VCF-style: chr11-64759799-G-A. GRCh37 (hg19) VCF-style: chr11-64527271-G-A.
Other names: c.100C>T, p.Arg34Trp (NM_001164716.1); short protein forms R34W.
Identifiers: ClinVar variation 1254381 (VCV001254381.8), dbSNP rs531748591, ClinGen allele CA6080372.